The following is an entry in ClinVar:

ClinVar aggregate classification (germline): Uncertain significance. Review status: criteria provided, multiple submitters, no conflicts (2 of 4 stars). 2 submissions from 2 submitters: Uncertain significance (2). Last evaluated 2026-05-23.

Conditions:
Inborn genetic diseases. Identifiers: MedGen C0950123, MeSH D030342.

Allele frequency attached by ClinVar (database versions not stated): gnomAD exomes below 0.00001; TOPMed below 0.00001; ExAC 0.00001.
gnomAD v4.1: 2 of 1,611,444 alleles (0.00012%); highest among the groups gnomAD compares: Non-Finnish European, 0.00017%; no homozygotes.

Submissions (2):

Ambry Genetics
Classification: Uncertain significance for Inborn genetic diseases. Last evaluated: 2026-05-23. Review status: criteria provided, single submitter. Criteria: Ambry Variant Classification Scheme 2023. Collection method: clinical testing. Allele origin: germline.

Labcorp Genetics (formerly Invitae), Labcorp
Classification: Uncertain significance. Last evaluated: 2022-05-03. Review status: criteria provided, single submitter. Criteria: Invitae Variant Classification Sherloc (09022015). Collection method: clinical testing. Allele origin: germline.
Comment: This sequence change replaces alanine, which is neutral and non-polar, with aspartic acid, which is acidic and polar, at codon 826 of the SI protein (p.Ala826Asp). The frequency data for this variant in the population databases is considered unreliable, as metrics indicate poor data quality at this position in the gnomAD database. This variant has not been reported in the literature in individuals affected with SI-related conditions. Advanced modeling of protein sequence and biophysical properties (such as structural, functional, and spatial information, amino acid conservation, physicochemical variation, residue mobility, and thermodynamic stability) performed at Invitae indicates that this missense variant is expected to disrupt SI protein function. In summary, the available evidence is currently insufficient to determine the role of this variant in disease. Therefore, it has been classified as a Variant of Uncertain Significance.

NM_001041.4(SI):c.2477C>A (p.Ala826Asp)

Gene: SI (sucrase-isomaltase; minus strand). Cytogenetic location: 3q26.1.
Variant type: single nucleotide variant.
Coding change: c.2477C>A on transcript NM_001041.4 (MANE Select); coding-DNA position 2477, C replaced by A.
Protein change: p.Ala826Asp; replaces alanine 826 with aspartic acid.
Molecular consequence: missense variant.
Genome position (GRCh38, 1-based): chr3:165,036,427, G>T on the plus strand (C>A on the coding strand, the complement: SI is on the minus strand). VCF-style: chr3-165036427-G-T. GRCh37 (hg19) VCF-style: chr3-164754215-G-T.
Other names: c.2477C>A (NM_001041.3); short protein forms A826D.
Identifiers: ClinVar variation 2139032 (VCV002139032.2), dbSNP rs769928395, ClinGen allele CA2690666.